The following is an entry in ClinVar:

NM_001377142.1(PLCB4):c.3133G>T (p.Ala1045Ser)

Gene: PLCB4 (phospholipase C beta 4; plus strand). Cytogenetic location: 20p12.2.
Variant type: single nucleotide variant.
Coding change: c.3133G>T on transcript NM_001377142.1 (MANE Select); coding-DNA position 3133, G replaced by T.
Protein change: p.Ala1045Ser; replaces alanine 1045 with serine.
Molecular consequence: missense variant.
Genome position (GRCh38, 1-based): chr20:9,459,695, G>T. VCF-style: chr20-9459695-G-T. GRCh37 (hg19) VCF-style: chr20-9440342-G-T.
Other names: c.3097G>T, p.Ala1033Ser (NM_000933.4, NM_001377134.2, NM_001377135.1 and 2 more transcripts); c.3133G>T, p.Ala1045Ser (NM_001172646.2, NM_001377143.1); short protein forms A1033S, A1045S.
Identifiers: ClinVar variation 897770 (VCV000897770.6), dbSNP rs779018136, ClinGen allele CA9761607.
Genomic context (GRCh38, chr20:9,459,695, plus strand): 5'-GTCAAAGAGATTGTAGCACAGCACACAAAGGAATGGTCAGAAATGATCAATACCCACAGT[G>T]CTGAGGAGCAAGAAATCCGAGACCTGCACCTCAGCCAGCAGTGTGAGCTGCTGAAAAAGC-3'
Protein context (NP_001364071.1, residues 1035-1055): EWSEMINTHS[Ala1045Ser]EEQEIRDLHL

ClinVar aggregate classification (germline): Conflicting classifications of pathogenicity. Review status: criteria provided, conflicting classifications (1 of 4 stars). 2 submissions from 2 submitters: Uncertain significance (1); Likely benign (1). Last evaluated 2023-05-09.

Conditions:
Auriculocondylar syndrome 2 (ARCND2A). Also called: AURICULOCONDYLAR SYNDROME 2A. Identifiers: Orphanet 137888, MedGen C3553404, MONDO:0013845, OMIM 614669.
Inborn genetic diseases. Identifiers: MedGen C0950123, MeSH D030342.

Allele frequency attached by ClinVar (database versions not stated): ExAC 0.00002; gnomAD 0.00002; TOPMed 0.00003; gnomAD exomes 0.00005.
gnomAD v4.1: 31 of 1,613,028 alleles (0.0019%); highest among the groups gnomAD compares: Non-Finnish European, 0.000085%; no homozygotes.

Submissions (2):

Ambry Genetics
Classification: Uncertain significance for Inborn genetic diseases. Last evaluated: 2023-05-09. Review status: criteria provided, single submitter. Criteria: Ambry Variant Classification Scheme 2023. Collection method: clinical testing. Allele origin: germline.

Illumina Laboratory Services, Illumina
Classification: Likely benign for Auriculocondylar syndrome 2. Last evaluated: 2018-01-13. Review status: criteria provided, single submitter. Criteria: ICSL Variant Classification Criteria 13 December 2019. Collection method: clinical testing. Allele origin: germline.
Comment: This variant was observed in the ICSL laboratory as part of a predisposition screen in an ostensibly healthy population. It had not been previously curated by ICSL or reported in the Human Gene Mutation Database (HGMD: prior to June 1st, 2018), and was therefore a candidate for classification through an automated scoring system. Utilizing variant allele frequency, disease prevalence and penetrance estimates, and inheritance mode, an automated score was calculated to assess if this variant is too frequent to cause the disease. Based on the score and internal cut-off values, a variant classified as likely benign is not then subjected to further curation. The score for this variant resulted in a classification of likely benign for this disease.